The following is an entry in ClinVar:

ClinVar aggregate classification (germline): Uncertain significance. Review status: criteria provided, multiple submitters, no conflicts (2 of 4 stars). 7 submissions from 7 submitters: Uncertain significance (7). Last evaluated 2025-12-10.

Conditions:
Hereditary cancer-predisposing syndrome. Also called: Hereditary neoplastic syndrome; Neoplastic Syndromes, Hereditary; Tumor predisposition; Hereditary Cancer Syndrome. Identifiers: Orphanet 140162, MedGen C0027672, MeSH D009386, MONDO:0015356.
Familial cancer of breast. Also called: BREAST CANCER, FAMILIAL; Hereditary breast cancer; hereditary breast carcinoma. Identifiers: Orphanet 227535, MedGen C0346153, MONDO:0016419, OMIM 114480. Disease mechanism: loss of function.

Allele frequency attached by ClinVar (database versions not stated): gnomAD 0.00001; TOPMed 0.00003; ESP Exome Variant Server 0.00008.

Submissions (7):

Labcorp Genetics (formerly Invitae), Labcorp
Classification: Uncertain significance for Familial cancer of breast. Last evaluated: 2025-12-10. Review status: criteria provided, single submitter. Criteria: Invitae Variant Classification Sherloc (09022015). Collection method: clinical testing. Allele origin: germline.
Comment: This sequence change replaces glutamine, which is neutral and polar, with arginine, which is basic and polar, at codon 552 of the PALB2 protein (p.Gln552Arg). This variant is present in population databases (rs375611746, gnomAD 0.02%). This variant has not been reported in the literature in individuals affected with PALB2-related conditions. ClinVar contains an entry for this variant (Variation ID: 246365). Invitae Evidence Modeling of protein sequence and biophysical properties (such as structural, functional, and spatial information, amino acid conservation, physicochemical variation, residue mobility, and thermodynamic stability) indicates that this missense variant is not expected to disrupt PALB2 protein function with a negative predictive value of 80%. In summary, the available evidence is currently insufficient to determine the role of this variant in disease. Therefore, it has been classified as a Variant of Uncertain Significance.

Color Diagnostics, LLC DBA Color Health
Classification: Uncertain significance for Hereditary cancer-predisposing syndrome. Last evaluated: 2025-11-18. Review status: criteria provided, single submitter. Criteria: ACMG Guidelines, 2015. Collection method: clinical testing. Allele origin: germline.
Comment: This missense variant replaces glutamine with arginine at codon 552 of the PALB2 protein. Computational prediction suggests that this variant may not impact protein structure and function. To our knowledge, functional studies have not been reported for this variant. This variant has not been reported in individuals affected with PALB2-related disorders in the literature. This variant has been identified in 7/1614004 chromosomes in the general population by the Genome Aggregation Database (gnomAD). The available evidence is insufficient to determine the role of this variant in disease conclusively. Therefore, this variant is classified as a Variant of Uncertain Significance.

GeneDx
Classification: Uncertain significance. Last evaluated: 2024-03-29. Review status: criteria provided, single submitter. Criteria: GeneDx Variant Classification Process June 2021. Collection method: clinical testing. Allele origin: germline. Affected: yes.
Comment: In silico analysis supports that this missense variant does not alter protein structure/function; Has not been previously published as pathogenic or benign to our knowledge

Quest Diagnostics Nichols Institute San Juan Capistrano
Classification: Uncertain significance. Last evaluated: 2024-03-25. Review status: criteria provided, single submitter. Criteria: Quest Diagnostics criteria. Collection method: clinical testing. Allele origin: unknown.
Comment: The PALB2 c.1655A>G (p.Gln552Arg) variant has not been reported in individuals with PALB2-related conditions in the published literature. The frequency of this variant in the general population, 0.000064 (2/31408 chromosomes (Genome Aggregation Database)), is uninformative in the assessment of its pathogenicity. Analysis of this variant using bioinformatics tools for the prediction of the effect of amino acid changes on protein structure and function yielded predictions that this variant is benign. Based on the available information, we are unable to determine the clinical significance of this variant.

Molecular Pathology, Peter Maccallum Cancer Centre
Classification: Uncertain significance for Familial cancer of breast. Last evaluated: 2024-02-12. Review status: criteria provided, single submitter. Criteria: ACMG Guidelines, 2015. Collection method: clinical testing. Allele origin: germline. Inheritance: Autosomal dominant inheritance.

Ambry Genetics
Classification: Uncertain significance for Hereditary cancer-predisposing syndrome. Last evaluated: 2023-10-22. Review status: criteria provided, single submitter. Criteria: Ambry Variant Classification Scheme 2023. Collection method: clinical testing. Allele origin: germline.
Comment: The p.Q552R variant (also known as c.1655A>G), located in coding exon 4 of the PALB2 gene, results from an A to G substitution at nucleotide position 1655. The glutamine at codon 552 is replaced by arginine, an amino acid with highly similar properties. This nucleotide position is well conserved in available vertebrate species. This amino acid position is not well conserved in available vertebrate species. In addition, this alteration is predicted to be tolerated by in silico analysis. Since supporting evidence is limited at this time, the clinical significance of this alteration remains unclear.

St. Jude Molecular Pathology, St. Jude Children's Research Hospital
Classification: Uncertain significance for Familial cancer of breast. Last evaluated: 2022-07-25. Review status: criteria provided, single submitter. Criteria: St. Jude Assertion Criteria 2020. Collection method: clinical testing. Allele origin: germline.
Comment: The PALB2 c.1655A>G (p.Gln552Arg) missense change has a maximum subpopulation frequency of 0.023% in gnomAD v2.1.1. The in silico tool REVEL predicts a benign effect on protein function, but to our knowledge this prediction has not been confirmed by functional studies. To our knowledge, this variant has not been reported in individuals with a personal and/or family history of breast and/or ovarian cancer or in individuals with Fanconi anemia. In summary, the evidence currently available is insufficient to determine the clinical significance of this variant. It has therefore been classified as of uncertain significance.

NM_024675.4(PALB2):c.1655A>G (p.Gln552Arg)

Gene: PALB2 (partner and localizer of BRCA2; minus strand). Cytogenetic location: 16p12.2.
Variant type: single nucleotide variant.
Coding change: c.1655A>G on transcript NM_024675.4 (MANE Select); coding-DNA position 1655, A replaced by G.
Protein change: p.Gln552Arg; replaces glutamine 552 with arginine.
Molecular consequence: missense variant.
Genome position (GRCh38, 1-based): chr16:23,634,891, T>C on the plus strand (A>G on the coding strand, the complement: PALB2 is on the minus strand). VCF-style: chr16-23634891-T-C. GRCh37 (hg19) VCF-style: chr16-23646212-T-C.
Other names: short protein forms Q552R.
Identifiers: ClinVar variation 246365 (VCV000246365.27), dbSNP rs375611746, ClinGen allele CA10584516.
Genomic context (GRCh38, chr16:23,634,891, plus strand): 5'-CATCATCATCATCAAACACATCTTGATTTACCTTTCACTTGAATAAATAATTTTTCGTGC[T>C]GATATTTGTGTGAGGTGACTTCTTCCTTGGACCTGTTAACAATCGACAGGCTAGAAGTTG-3'
Protein context (NP_078951.2, residues 542-562): SKEEVTSHKY[Gln552Arg]HEKLFIQVKG